The following is an entry in ClinVar:

ClinVar aggregate classification (germline): Uncertain significance. Review status: criteria provided, multiple submitters, no conflicts (2 of 4 stars). 2 submissions from 2 submitters: Uncertain significance (2). Last evaluated 2025-12-22.

Conditions:
Hereditary cancer-predisposing syndrome. Also called: Tumor predisposition; Hereditary Cancer Syndrome; Neoplastic Syndromes, Hereditary; Hereditary neoplastic syndrome. Identifiers: Orphanet 140162, MedGen C0027672, MeSH D009386, MONDO:0015356.
Familial adenomatous polyposis 1 (FAP1). Also called: FAMILIAL ADENOMATOUS POLYPOSIS 1, ATTENUATED; POLYPOSIS, ADENOMATOUS INTESTINAL. Identifiers: MedGen C2713442, MONDO:0021056, OMIM 175100. Disease mechanism: loss of function.

gnomAD v4.1: 2 of 1,614,190 alleles (0.00012%); highest among the groups gnomAD compares: Admixed American, 0.0017%; no homozygotes.

Submissions (2):

Labcorp Genetics (formerly Invitae), Labcorp
Classification: Uncertain significance for Familial adenomatous polyposis 1. Last evaluated: 2025-12-22. Review status: criteria provided, single submitter. Criteria: Invitae Variant Classification Sherloc (09022015). Collection method: clinical testing. Allele origin: germline.
Comment: This sequence change replaces isoleucine, which is neutral and non-polar, with methionine, which is neutral and non-polar, at codon 880 of the APC protein (p.Ile880Met). This variant is present in population databases (no rsID available, gnomAD 0.003%). This variant has not been reported in the literature in individuals affected with APC-related conditions. ClinVar contains an entry for this variant (Variation ID: 1794190). Invitae Evidence Modeling of protein sequence and biophysical properties (such as structural, functional, and spatial information, amino acid conservation, physicochemical variation, residue mobility, and thermodynamic stability) indicates that this missense variant is not expected to disrupt APC protein function with a negative predictive value of 95%. In summary, the available evidence is currently insufficient to determine the role of this variant in disease. Therefore, it has been classified as a Variant of Uncertain Significance.

Ambry Genetics
Classification: Uncertain significance for Hereditary cancer-predisposing syndrome. Last evaluated: 2025-01-15. Review status: criteria provided, single submitter. Criteria: Ambry Variant Classification Scheme 2023. Collection method: clinical testing. Allele origin: germline.
Comment: The p.I880M variant (also known as c.2640C>G), located in coding exon 15 of the APC gene, results from a C to G substitution at nucleotide position 2640. The isoleucine at codon 880 is replaced by methionine, an amino acid with highly similar properties. Missense alterations in APC are not a common cause of disease (Spier I et al. Genet Med. 2024 Feb;26(2):100992). This amino acid position is not well conserved in available vertebrate species. In addition, in silico predictors for this gene do not accurately predict pathogenicity. Based on the available evidence, the clinical significance of this variant remains unclear.

NM_000038.6(APC):c.2640C>G (p.Ile880Met)

Gene: APC (APC regulator of Wnt signaling pathway; plus strand). Cytogenetic location: 5q22.2.
Variant type: single nucleotide variant.
Coding change: c.2640C>G on transcript NM_000038.6 (MANE Select); coding-DNA position 2640, C replaced by G.
Protein change: p.Ile880Met; replaces isoleucine 880 with methionine.
Molecular consequence: missense variant.
Genome position (GRCh38, 1-based): chr5:112,838,234, C>G. VCF-style: chr5-112838234-C-G. GRCh37 (hg19) VCF-style: chr5-112173931-C-G.
Other names: c.2640C>G, p.Ile880Met (NM_001127510.3, NM_001354895.2, NM_001407450.1); c.2586C>G, p.Ile862Met (NM_001127511.3); c.2694C>G, p.Ile898Met (NM_001354896.2, NM_001407447.1, NM_001407448.1 and 1 more transcripts); c.2670C>G, p.Ile890Met (NM_001354897.2); c.2565C>G, p.Ile855Met (NM_001354898.2); c.2556C>G, p.Ile852Met (NM_001354899.2); c.2517C>G, p.Ile839Met (NM_001354900.2); c.2463C>G, p.Ile821Met (NM_001354901.2, NM_001407453.1); and 11 more; short protein forms I751M, I852M, I855M, I496M, I720M, I789M, I870M, I890M.
Identifiers: ClinVar variation 1794190 (VCV001794190.5), dbSNP rs200184105, ClinGen allele CA16027105.
Genomic context (GRCh38, chr5:112,838,234, plus strand): 5'-AGGCAACTACCATCCAGCAACAGAAAATCCAGGAACTTCTTCAAAGCGAGGTTTGCAGAT[C>G]TCCACCACTGCAGCCCAGATTGCCAAAGTCATGGAAGAAGTGTCAGCCATTCATACCTCT-3'
Protein context (NP_000029.2, residues 870-890): PGTSSKRGLQ[Ile880Met]STTAAQIAKV